The following is an entry in ClinVar:

NM_005257.6(GATA6):c.1672A>G (p.Ser558Gly)

Gene: GATA6 (GATA binding protein 6; plus strand). Cytogenetic location: 18q11.2.
Variant type: single nucleotide variant.
Coding change: c.1672A>G on transcript NM_005257.6 (MANE Select); coding-DNA position 1672, A replaced by G.
Protein change: p.Ser558Gly; replaces serine 558 with glycine.
Molecular consequence: missense variant.
Genome position (GRCh38, 1-based): chr18:22,200,707, A>G. VCF-style: chr18-22200707-A-G. GRCh37 (hg19) VCF-style: chr18-19780670-A-G.
Other names: short protein forms S558G.
Identifiers: ClinVar variation 840603 (VCV000840603.10), dbSNP rs138641332, ClinGen allele CA8909067.
Genomic context (GRCh38, chr18:22,200,707, plus strand): 5'-TTCTGCCAGGCGGGTGCCCCGGTGATGACTGGTGCGGGAGAGAGCACCAATCCCGAGAAC[A>G]GCGAGCTCAAGTATTCGGGTCAAGATGGGCTCTACATAGGCGTCAGTCTCGCCTCGCCGG-3'
Protein context (NP_005248.2, residues 548-568): GAGESTNPEN[Ser558Gly]ELKYSGQDGL

ClinVar aggregate classification (germline): Uncertain significance (1 of 4 stars; one submission).

Conditions:
Atrioventricular septal defect 5 (AVSD5). Identifiers: MedGen C3280939, MONDO:0013769, OMIM 614474.

Allele frequency attached by ClinVar (database versions not stated): gnomAD exomes 0.00001 and 0.00002; ExAC 0.00002; TOPMed 0.00003; gnomAD 0.00006; ESP Exome Variant Server 0.00008; 1000 Genomes Project 30x 0.00016; 1000 Genomes Project 0.00020.
gnomAD v4.1: 25 of 1,614,218 alleles (0.0015%); highest among the groups gnomAD compares: African/African-American, 0.011%; no homozygotes.

Submission:

Labcorp Genetics (formerly Invitae), Labcorp
Classification: Uncertain significance for Atrioventricular septal defect 5. Last evaluated: 2025-12-19. Review status: criteria provided, single submitter. Criteria: Invitae Variant Classification Sherloc (09022015). Collection method: clinical testing. Allele origin: germline.
Comment: This sequence change replaces serine, which is neutral and polar, with glycine, which is neutral and non-polar, at codon 558 of the GATA6 protein (p.Ser558Gly). This variant is present in population databases (rs138641332, gnomAD 0.02%). This variant has not been reported in the literature in individuals affected with GATA6-related conditions. ClinVar contains an entry for this variant (Variation ID: 840603). Invitae Evidence Modeling of protein sequence and biophysical properties (such as structural, functional, and spatial information, amino acid conservation, physicochemical variation, residue mobility, and thermodynamic stability) indicates that this missense variant is not expected to disrupt GATA6 protein function with a negative predictive value of 80%. In summary, the available evidence is currently insufficient to determine the role of this variant in disease. Therefore, it has been classified as a Variant of Uncertain Significance.